The following is an entry in ClinVar:

NM_138694.4(PKHD1):c.8980C>T (p.Gln2994Ter)

Gene: PKHD1 (PKHD1 ciliary IPT domain containing fibrocystin/polyductin; minus strand). Cytogenetic location: 6p12.3.
Variant type: single nucleotide variant.
Coding change: c.8980C>T on transcript NM_138694.4 (MANE Select); coding-DNA position 8980, C replaced by T.
Protein change: p.Gln2994Ter; replaces glutamine 2994 with a stop codon.
Molecular consequence: nonsense.
Genome position (GRCh38, 1-based): chr6:51,748,636, G>A on the plus strand (C>T on the coding strand, the complement: PKHD1 is on the minus strand). VCF-style: chr6-51748636-G-A. GRCh37 (hg19) VCF-style: chr6-51613434-G-A.
Other names: c.8980C>T, p.Gln2994Ter (NM_170724.3); c.8980C>T (NM_138694.3); short protein forms Q2994*.
Identifiers: ClinVar variation 1070163 (VCV001070163.8), dbSNP rs2150987482, ClinGen allele CA364424358.

ClinVar aggregate classification (germline): Pathogenic/Likely pathogenic. Review status: criteria provided, multiple submitters, no conflicts (2 of 4 stars). 2 submissions from 2 submitters: Pathogenic (1); Likely pathogenic (1). Last evaluated 2025-05-19.

Conditions:
Autosomal recessive polycystic kidney disease (ARPKD). Also called: AR polycystic kidney disease. Identifiers: Orphanet 731, Orphanet 8378, MedGen C0085548, MeSH D017044, MONDO:0009889.

gnomAD v4.1: 1 of 1,613,676 alleles (0.000062%); highest among the groups gnomAD compares: Non-Finnish European, 0.000085%; no homozygotes.

Submissions (2):

Natera, Inc.
Classification: Likely pathogenic for Autosomal recessive polycystic kidney disease. Last evaluated: 2025-05-19. Review status: criteria provided, single submitter. Criteria: Natera Variant Classification Schema (03/2026). Collection method: clinical testing. Allele origin: germline.
Comment: The c.8980C>T variant in PKHD1 is a nonsense variant predicted to introduce a stop codon at amino acid 2994. This variant is expected to result in nonsense mediated decay, truncation, or a dysfunctional protein product. This variant is rare in the general population with a frequency below the threshold expected for the associated phenotype(s). Given the available evidence, this variant is classified as Likely Pathogenic.

Labcorp Genetics (formerly Invitae), Labcorp
Classification: Pathogenic for Autosomal recessive polycystic kidney disease. Last evaluated: 2020-03-05. Review status: criteria provided, single submitter. Criteria: Invitae Variant Classification Sherloc (09022015). Collection method: clinical testing. Allele origin: germline.
Comment: This variant is not present in population databases (ExAC no frequency). This sequence change creates a premature translational stop signal (p.Gln2994*) in the PKHD1 gene. It is expected to result in an absent or disrupted protein product. This variant has not been reported in the literature in individuals with PKHD1-related conditions. For these reasons, this variant has been classified as Pathogenic. Loss-of-function variants in PKHD1 are known to be pathogenic (PMID: 19940839).

Literature cited by the submitters: PubMed 19940839 (cited by Labcorp Genetics (formerly Invitae), Labcorp).